The following is an entry in ClinVar:

NM_001164508.2(NEB):c.11412C>G (p.Tyr3804Ter)

Gene: NEB (nebulin; minus strand). Cytogenetic location: 2q23.3.
Variant type: single nucleotide variant.
Coding change: c.11412C>G on transcript NM_001164508.2 (MANE Select); coding-DNA position 11412, C replaced by G.
Protein change: p.Tyr3804Ter; replaces tyrosine 3804 with a stop codon.
Molecular consequence: nonsense.
Genome position (GRCh38, 1-based): chr2:151,614,465, G>C on the plus strand (C>G on the coding strand, the complement: NEB is on the minus strand). VCF-style: chr2-151614465-G-C. GRCh37 (hg19) VCF-style: chr2-152470979-G-C.
Other names: c.11412C>G, p.Tyr3804Ter (NM_001271208.2, NM_001164507.2); c.10683C>G, p.Tyr3561Ter (NM_004543.5); short protein forms Y3561*, Y3804*.
Identifiers: ClinVar variation 2708892 (VCV002708892.3), dbSNP rs767902943, ClinGen allele CA348781987.
Genomic context (GRCh38, chr2:151,614,465, plus strand): 5'-CACCCCCAGCATGTCCACTGGGCTGCTGAACTTGGTCTTCCACTTCTCAAACTCCTTCTT[G>C]TACTCCCTGTCACTCTGGATCTTGGCCACATGGATGGACCACATCATCTTCGGGTCATCC-3'

ClinVar aggregate classification (germline): Pathogenic (1 of 4 stars; one submission).

Conditions:
Nemaline myopathy 2 (NEM2). Also called: Nemaline myopathy 2, autosomal recessive. Identifiers: MedGen C1850569, MONDO:0009725, OMIM 256030.

Submission:

Labcorp Genetics (formerly Invitae), Labcorp
Classification: Pathogenic for Nemaline myopathy 2. Last evaluated: 2024-01-11. Review status: criteria provided, single submitter. Criteria: Invitae Variant Classification Sherloc (09022015). Collection method: clinical testing. Allele origin: germline.
Comment: This sequence change creates a premature translational stop signal (p.Tyr3804*) in the NEB gene. It is expected to result in an absent or disrupted protein product. Loss-of-function variants in NEB are known to be pathogenic (PMID: 25205138). This variant is not present in population databases (gnomAD no frequency). This variant has not been reported in the literature in individuals affected with NEB-related conditions. For these reasons, this variant has been classified as Pathogenic.

Literature cited by the submitters: PubMed 25205138.